The following is an entry in ClinVar:

NM_002474.3(MYH11):c.4915G>C (p.Gly1639Arg)

Genes: MYH11 (myosin heavy chain 11; minus strand), NDE1 (nudE neurodevelopment protein 1; plus strand). Cytogenetic location: 16p13.11.
Variant type: single nucleotide variant.
Coding change: c.4915G>C on transcript NM_002474.3 (MANE Select); coding-DNA position 4915, G replaced by C.
Protein change: p.Gly1639Arg; replaces glycine 1639 with arginine.
Molecular consequence: missense variant. On other transcripts: intron variant (2).
Genome position (GRCh38, 1-based): chr16:15,720,189, C>G on the plus strand (G>C on the coding strand, the complement: MYH11 is on the minus strand). VCF-style: chr16-15720189-C-G. GRCh37 (hg19) VCF-style: chr16-15814046-C-G.
Other names: c.4936G>C, p.Gly1646Arg (NM_001040113.2, NM_001040114.2); c.4915G>C, p.Gly1639Arg (NM_022844.3); c.948-4002C>G (NM_001143979.2, NM_017668.3); short protein forms G1639R, G1646R.
Identifiers: ClinVar variation 1316386 (VCV001316386.2), dbSNP rs151337580, ClinGen allele CA394852337.
Genomic context (GRCh38, chr16:15,720,189, plus strand): 5'-CCAAGCTCCTAGTGTCACCCACCTGCAGTTTGCGTAGCTGCTTGATGGCTTCCTCCCTCC[C>G]CTTGATGGCAGAGTCGGCCTGAAGCTCCAGGTCTTTCAGGTCCCCTTCCAGCTTCTTCTT-3'
Protein context (NP_002465.1, residues 1629-1649): LELQADSAIK[Gly1639Arg]REEAIKQLRK

ClinVar aggregate classification (germline): Uncertain significance (1 of 4 stars; one submission).

Submission:

GeneDx
Classification: Uncertain significance. Last evaluated: 2019-12-10. Review status: criteria provided, single submitter. Criteria: GeneDx Variant Classification Process June 2021. Collection method: clinical testing. Allele origin: germline. Affected: yes.
Comment: Has not been previously published as pathogenic or benign to our knowledge; Not observed in large population cohorts (Lek et al., 2016); In silico analysis, which includes protein predictors and evolutionary conservation, supports that this variant does not alter protein structure/function